The following is an entry in ClinVar:

ClinVar aggregate classification (germline): Benign/Likely benign. Review status: criteria provided, multiple submitters, no conflicts (2 of 4 stars). 4 submissions from 4 submitters: Benign (1); Likely benign (3). Last evaluated 2025-09-20.

Conditions:
Hereditary cancer-predisposing syndrome. Also called: Hereditary neoplastic syndrome; Neoplastic Syndromes, Hereditary; Tumor predisposition; Hereditary Cancer Syndrome. Identifiers: Orphanet 140162, MedGen C0027672, MeSH D009386, MONDO:0015356.
Familial cancer of breast. Also called: BREAST CANCER, FAMILIAL; Hereditary breast cancer; hereditary breast carcinoma. Identifiers: Orphanet 227535, MedGen C0346153, MONDO:0016419, OMIM 114480. Disease mechanism: loss of function.

gnomAD v4.1: 10 of 1,575,834 alleles (0.00063%); highest among the groups gnomAD compares: African/African-American, 0.0014%; no homozygotes.

Submissions (4):

Labcorp Genetics (formerly Invitae), Labcorp
Classification: Likely benign for Familial cancer of breast. Last evaluated: 2025-09-20. Review status: criteria provided, single submitter. Criteria: Invitae Variant Classification Sherloc (09022015). Collection method: clinical testing. Allele origin: germline.

Myriad Genetics, Inc.
Classification: Benign for Familial cancer of breast. Last evaluated: 2024-07-22. Review status: criteria provided, single submitter. Criteria: Myriad Autosomal Dominant, Autosomal Recessive and X-Linked Classification Criteria (2023). Collection method: clinical testing. Allele origin: unknown.
Comment: This variant is considered benign. This variant is a silent/synonymous amino acid change and it is not expected to impact splicing.

Color Diagnostics, LLC DBA Color Health
Classification: Likely benign for Hereditary cancer-predisposing syndrome. Last evaluated: 2018-03-08. Review status: criteria provided, single submitter. Criteria: ACMG Guidelines, 2015. Collection method: clinical testing. Allele origin: germline.

Ambry Genetics
Classification: Likely benign for Hereditary cancer-predisposing syndrome. Last evaluated: 2015-09-14. Review status: criteria provided, single submitter. Criteria: Ambry Variant Classification Scheme 2023. Collection method: clinical testing. Allele origin: germline.

NM_000465.4(BARD1):c.747C>T (p.Ile249=)

Gene: BARD1 (BRCA1 associated RING domain 1; minus strand). Cytogenetic location: 2q35.
Variant type: single nucleotide variant.
Coding change: c.747C>T on transcript NM_000465.4 (MANE Select); coding-DNA position 747, C replaced by T.
Protein change: p.Ile249=; no amino-acid change (isoleucine 249 retained).
Molecular consequence: synonymous variant. On other transcripts: non-coding transcript variant (2), intron variant (3).
Genome position (GRCh38, 1-based): chr2:214,781,127, G>A on the plus strand (C>T on the coding strand, the complement: BARD1 is on the minus strand). VCF-style: chr2-214781127-G-A. GRCh37 (hg19) VCF-style: chr2-215645851-G-A.
Other names: c.690C>T, p.Ile230= (NM_001282543.2); c.158+28285C>T (NM_001282548.2); c.215+15934C>T (NM_001282545.2); c.364+11170C>T (NM_001282549.2).
Identifiers: ClinVar variation 184791 (VCV000184791.19), dbSNP rs746551077, ClinGen allele CA190058.
Genomic context (GRCh38, chr2:214,781,127, plus strand): 5'-AGATTCTGTCAAGGAGCCACTTGCTAGTAAGTCTATTTCACCATTTATCTGAGGACTGGA[G>A]ATAACAGATGGTTGGCTACAGAAGGATACCAGCTTTTGCTTAGATTCCTCTTTGGAGTCA-3'
Protein context (NP_000456.2, residues 239-259): LVSFCSQPSV[Ile249=]SSPQINGEID